The following is an entry in ClinVar:

NM_001199097.2(BAIAP3):c.2387C>T (p.Thr796Met)

Gene: BAIAP3 (BAI1 associated protein 3; plus strand). Cytogenetic location: 16p13.3.
Variant type: single nucleotide variant.
Coding change: c.2387C>T on transcript NM_001199097.2 (MANE Select); coding-DNA position 2387, C replaced by T.
Protein change: p.Thr796Met; replaces threonine 796 with methionine.
Molecular consequence: missense variant.
Genome position (GRCh38, 1-based): chr16:1,346,255, C>T. VCF-style: chr16-1346255-C-T. GRCh37 (hg19) VCF-style: chr16-1396256-C-T.
Other names: c.2279C>T, p.Thr760Met (NM_001199096.2); c.2318C>T, p.Thr773Met (NM_001199098.2); c.2303C>T, p.Thr768Met (NM_001199099.2); c.2438C>T, p.Thr813Met (NM_001286464.2); c.2492C>T, p.Thr831Met (NM_003933.5); short protein forms T760M, T768M, T773M, T796M, T813M, T831M.
Identifiers: ClinVar variation 2645895 (VCV002645895.24), dbSNP rs142229314, ClinGen allele CA7806456.
Genomic context (GRCh38, chr16:1,346,255, plus strand): 5'-AGCTCGTGCGCAAGGCTGCTGGGCAGGCCTTGAAGGGCCTGGCATGGCCAGAGGGGGCCA[C>T]GGGGCCCGAGGGGGTGCTCCCCCGCCCTCTGCTCAGCTGCACACAGGCCCTGGACGATGA-3'
Protein context (NP_001186026.1, residues 786-806): LKGLAWPEGA[Thr796Met]GPEGVLPRPL

ClinVar aggregate classification (germline): Benign (1 of 4 stars; one submission).

Allele frequency attached by ClinVar (database versions not stated): 1000 Genomes Project 0.00040; 1000 Genomes Project 30x 0.00047; ExAC 0.00087; gnomAD 0.00144; TOPMed 0.00145; ESP Exome Variant Server 0.00185.
gnomAD v4.1: 3,481 of 1,610,888 alleles (0.22%); highest among the groups gnomAD compares: Non-Finnish European, 0.27%; 1 homozygote.

Submission:

CeGaT Center for Human Genetics Tuebingen
Classification: Benign. Last evaluated: 2022-03-01. Review status: criteria provided, single submitter. Criteria: CeGaT Center For Human Genetics Tuebingen Variant Classification Criteria Version 2. Collection method: clinical testing. Allele origin: germline. Affected: yes. Observed: 1 variant allele.
Comment: BAIAP3: BS1, BS2